The following is an entry in ClinVar:

NM_018979.4(WNK1):c.1253C>T (p.Ser418Phe)

Gene: WNK1 (WNK lysine deficient protein kinase 1; plus strand). Cytogenetic location: 12p13.33.
Variant type: single nucleotide variant.
Coding change: c.1253C>T on transcript NM_018979.4 (MANE Select); coding-DNA position 1253, C replaced by T.
Protein change: p.Ser418Phe; replaces serine 418 with phenylalanine.
Molecular consequence: missense variant.
Genome position (GRCh38, 1-based): chr12:830,102, C>T. VCF-style: chr12-830102-C-T. GRCh37 (hg19) VCF-style: chr12-939268-C-T.
Other names: c.1253C>T, p.Ser418Phe (NM_213655.5, NM_001184985.2, NM_014823.3); short protein forms S418F.
Identifiers: ClinVar variation 4792440 (VCV004792440.1).
Genomic context (GRCh38, chr12:830,102, plus strand): 5'-AATATGATGAATCCGTTGACGTTTATGCTTTTGGGATGTGCATGCTTGAGATGGCTACAT[C>T]TGAATATCCTTACTCGGAGTGCCAAAATGCTGCACAGATCTACCGTCGCGTGACCAGTGT-3'
Protein context (NP_061852.3, residues 408-428): FGMCMLEMAT[Ser418Phe]EYPYSECQNA

ClinVar aggregate classification (germline): Uncertain significance (1 of 4 stars; one submission).

Conditions:
Neuropathy, hereditary sensory and autonomic, type 2A (HSAN2A). Also called: ACROOSTEOLYSIS, GIACCAI TYPE; ACROOSTEOLYSIS, NEUROGENIC; MORVAN DISEASE; NEUROPATHY, CONGENITAL SENSORY; NEUROPATHY, HEREDITARY SENSORY RADICULAR, AUTOSOMAL RECESSIVE; NEUROPATHY, HEREDITARY SENSORY, TYPE IIA. Identifiers: Orphanet 970, MedGen C2752089, MONDO:0024309, OMIM 201300.
Pseudohypoaldosteronism type 2C (PHA2C). Also called: Pseudohypoaldosteronism Type IIC. Identifiers: Orphanet 757, Orphanet 88940, MedGen C1840391, MONDO:0013778, OMIM 614492.

Submission:

Labcorp Genetics (formerly Invitae), Labcorp
Classification: Uncertain significance for Neuropathy, hereditary sensory and autonomic, type 2A; Pseudohypoaldosteronism type 2C. Last evaluated: 2025-06-29. Review status: criteria provided, single submitter. Criteria: Invitae Variant Classification Sherloc (09022015). Collection method: clinical testing. Allele origin: germline.
Comment: This sequence change replaces serine, which is neutral and polar, with phenylalanine, which is neutral and non-polar, at codon 418 of the WNK1 protein (p.Ser418Phe). This variant is not present in population databases (gnomAD no frequency). This variant has not been reported in the literature in individuals affected with WNK1-related conditions. Invitae Evidence Modeling of protein sequence and biophysical properties (such as structural, functional, and spatial information, amino acid conservation, physicochemical variation, residue mobility, and thermodynamic stability) indicates that this missense variant is not expected to disrupt WNK1 protein function with a negative predictive value of 95%. In summary, the available evidence is currently insufficient to determine the role of this variant in disease. Therefore, it has been classified as a Variant of Uncertain Significance.